The following is an entry in ClinVar:

ClinVar aggregate classification (germline): Uncertain significance. Review status: criteria provided, multiple submitters, no conflicts (2 of 4 stars). 2 submissions from 2 submitters: Uncertain significance (2). Last evaluated 2024-10-31.

Conditions:
Hereditary cancer-predisposing syndrome. Also called: Neoplastic Syndromes, Hereditary; Hereditary neoplastic syndrome; Tumor predisposition; Hereditary Cancer Syndrome. Identifiers: Orphanet 140162, MedGen C0027672, MeSH D009386, MONDO:0015356.
Oligodontia-cancer predisposition syndrome. Also called: TOOTH AGENESIS-COLORECTAL CANCER SYNDROME. Identifiers: Orphanet 300576, MedGen C1837750, MONDO:0012075, OMIM 608615. Disease mechanism: loss of function.

Submissions (2):

Labcorp Genetics (formerly Invitae), Labcorp
Classification: Uncertain significance for Oligodontia-cancer predisposition syndrome. Last evaluated: 2024-10-31. Review status: criteria provided, single submitter. Criteria: Invitae Variant Classification Sherloc (09022015). Collection method: clinical testing. Allele origin: germline.
Comment: This sequence change replaces valine, which is neutral and non-polar, with glycine, which is neutral and non-polar, at codon 506 of the AXIN2 protein (p.Val506Gly). This variant is not present in population databases (gnomAD no frequency). This variant has not been reported in the literature in individuals affected with AXIN2-related conditions. ClinVar contains an entry for this variant (Variation ID: 2471732). Invitae Evidence Modeling of protein sequence and biophysical properties (such as structural, functional, and spatial information, amino acid conservation, physicochemical variation, residue mobility, and thermodynamic stability) indicates that this missense variant is not expected to disrupt AXIN2 protein function with a negative predictive value of 80%. In summary, the available evidence is currently insufficient to determine the role of this variant in disease. Therefore, it has been classified as a Variant of Uncertain Significance.

Ambry Genetics
Classification: Uncertain significance for Hereditary cancer-predisposing syndrome. Last evaluated: 2022-11-25. Review status: criteria provided, single submitter. Criteria: Ambry Variant Classification Scheme 2023. Collection method: clinical testing. Allele origin: germline.
Comment: The p.V506G variant (also known as c.1517T>G), located in coding exon 5 of the AXIN2 gene, results from a T to G substitution at nucleotide position 1517. The valine at codon 506 is replaced by glycine, an amino acid with dissimilar properties. This amino acid position is conserved. In addition, this alteration is predicted to be tolerated by in silico analysis. Since supporting evidence is limited at this time, the clinical significance of this alteration remains unclear.

NM_004655.4(AXIN2):c.1517T>G (p.Val506Gly)

Gene: AXIN2 (axin 2; minus strand). Cytogenetic location: 17q24.1.
Variant type: single nucleotide variant.
Coding change: c.1517T>G on transcript NM_004655.4 (MANE Select); coding-DNA position 1517, T replaced by G.
Protein change: p.Val506Gly; replaces valine 506 with glycine.
Molecular consequence: missense variant.
Genome position (GRCh38, 1-based): chr17:65,537,519, A>C on the plus strand (T>G on the coding strand, the complement: AXIN2 is on the minus strand). VCF-style: chr17-65537519-A-C. GRCh37 (hg19) VCF-style: chr17-63533637-A-C.
Other names: c.1517T>G, p.Val506Gly (NM_001363813.1); short protein forms V506G.
Identifiers: ClinVar variation 2471732 (VCV002471732.4), dbSNP rs2509413703, ClinGen allele CA400677352.